The following is an entry in ClinVar:

ClinVar aggregate classification (germline): Uncertain significance (1 of 4 stars; one submission).

Conditions:
X-linked myopathy with postural muscle atrophy. Also called: FHL1-Related Emery-Dreifuss Muscular Dystrophy, X-Linked. Identifiers: Orphanet 178461, MedGen C2678055, MONDO:0010401, OMIM 300696.

Allele frequency attached by ClinVar (database versions not stated): gnomAD exomes 0.00001.
gnomAD v4.1: 6 of 1,212,537 alleles (0.00049%); highest among the groups gnomAD compares: Non-Finnish European, 0.00067%; no homozygotes.

Submission:

Labcorp Genetics (formerly Invitae), Labcorp
Classification: Uncertain significance for X-linked myopathy with postural muscle atrophy. Last evaluated: 2022-08-01. Review status: criteria provided, single submitter. Criteria: Invitae Variant Classification Sherloc (09022015). Collection method: clinical testing. Allele origin: germline.
Comment: This variant has not been reported in the literature in individuals affected with FHL1-related conditions. This variant is not present in population databases (gnomAD no frequency). This sequence change replaces aspartic acid, which is acidic and polar, with glycine, which is neutral and non-polar, at codon 33 of the FHL1 protein (p.Asp33Gly). Algorithms developed to predict the effect of missense changes on protein structure and function are either unavailable or do not agree on the potential impact of this missense change (SIFT: "Deleterious"; PolyPhen-2: "Possibly Damaging"; Align-GVGD: "Class C0"). In summary, the available evidence is currently insufficient to determine the role of this variant in disease. Therefore, it has been classified as a Variant of Uncertain Significance.

NM_001159699.2(FHL1):c.146A>G (p.Asp49Gly)

Gene: FHL1 (four and a half LIM domains 1; plus strand). Cytogenetic location: Xq26.3.
Variant type: single nucleotide variant.
Coding change: c.146A>G on transcript NM_001159699.2 (MANE Select); coding-DNA position 146, A replaced by G.
Protein change: p.Asp49Gly; replaces aspartic acid 49 with glycine.
Molecular consequence: missense variant. On other transcripts: non-coding transcript variant (1).
Genome position (GRCh38, 1-based): chrX:136,206,530, A>G. VCF-style: chrX-136206530-A-G. GRCh37 (hg19) VCF-style: chrX-135288689-A-G.
Other names: c.98A>G, p.Asp33Gly (NM_001159700.2, NM_001159702.3, NM_001159703.2 and 9 more transcripts); c.185A>G, p.Asp62Gly (NM_001159701.2); c.146A>G, p.Asp49Gly (NM_001330659.2); short protein forms D33G, D62G, D49G.
Identifiers: ClinVar variation 2110350 (VCV002110350.4), dbSNP rs1207531202, ClinGen allele CA414607731.